The following is an entry in ClinVar:

NM_000718.4(CACNA1B):c.4176G>A (p.Leu1392=)

Gene: CACNA1B (calcium voltage-gated channel subunit alpha1 B; plus strand). Cytogenetic location: 9q34.3.
Variant type: single nucleotide variant.
Coding change: c.4176G>A on transcript NM_000718.4 (MANE Select); coding-DNA position 4176, G replaced by A.
Protein change: p.Leu1392=; no amino-acid change (leucine 1392 retained).
Molecular consequence: synonymous variant.
Genome position (GRCh38, 1-based): chr9:138,058,118, G>A. VCF-style: chr9-138058118-G-A. GRCh37 (hg19) VCF-style: chr9-140952570-G-A.
Other names: c.4176G>A (NM_000718.3); c.4176G>A, p.Leu1392= (NM_001243812.2).
Identifiers: ClinVar variation 2980876 (VCV002980876.5), dbSNP rs376408406, ClinGen allele CA5376926.

ClinVar aggregate classification (germline): Likely benign. Review status: criteria provided, single submitter (1 of 4 stars). 2 submissions from 2 submitters: Likely benign (1). 1 of the submissions does not count toward it. Last evaluated 2023-07-14.

Conditions:
CACNA1B-related disorder. Also called: CACNA1B-related condition.

Allele frequency attached by ClinVar (database versions not stated): ExAC 0.00002; TOPMed 0.00002; gnomAD 0.00003; ESP Exome Variant Server 0.00016.
gnomAD v4.1: 36 of 1,613,822 alleles (0.0022%); highest among the groups gnomAD compares: Non-Finnish European, 0.003%; no homozygotes.

Submissions (2):

Labcorp Genetics (formerly Invitae), Labcorp
Classification: Likely benign. Last evaluated: 2023-07-14. Review status: criteria provided, single submitter. Criteria: Invitae Variant Classification Sherloc (09022015). Collection method: clinical testing. Allele origin: germline.

PreventionGenetics, part of Exact Sciences
Classification: Likely benign for CACNA1B-related condition. Last evaluated: 2019-04-09. Review status: no assertion criteria provided. Collection method: clinical testing. Allele origin: germline. Not counted in ClinVar's aggregate classification.
Comment: This variant is classified as likely benign based on ACMG/AMP sequence variant interpretation guidelines (Richards et al. 2015 PMID: 25741868, with internal and published modifications).